The following is an entry in ClinVar:

ClinVar aggregate classification (germline): Uncertain significance (1 of 4 stars; one submission).

Conditions:
Deficiency of aromatic-L-amino-acid decarboxylase. Also called: AADC DEFICIENCY; DDC DEFICIENCY; DOPA DECARBOXYLASE DEFICIENCY; Aromatic L-Amino Acid Decarboxylase Deficiency; Aromatic amino acid decarboxylase deficiency. Identifiers: Orphanet 35708, MedGen C1291564, MONDO:0012084, OMIM 608643.

Submission:

Labcorp Genetics (formerly Invitae), Labcorp
Classification: Uncertain significance for Deficiency of aromatic-L-amino-acid decarboxylase. Last evaluated: 2022-03-12. Review status: criteria provided, single submitter. Criteria: Invitae Variant Classification Sherloc (09022015). Collection method: clinical testing. Allele origin: germline.
Comment: In summary, the available evidence is currently insufficient to determine the role of this variant in disease. Therefore, it has been classified as a Variant of Uncertain Significance. Algorithms developed to predict the effect of missense changes on protein structure and function (SIFT, PolyPhen-2, Align-GVGD) all suggest that this variant is likely to be disruptive. This variant has not been reported in the literature in individuals affected with DDC-related conditions. This variant is not present in population databases (gnomAD no frequency). This sequence change replaces glycine, which is neutral and non-polar, with cysteine, which is neutral and slightly polar, at codon 415 of the DDC protein (p.Gly415Cys).

NM_001082971.2(DDC):c.1243G>T (p.Gly415Cys)

Gene: DDC (dopa decarboxylase; minus strand). Cytogenetic location: 7p12.2.
Variant type: single nucleotide variant.
Coding change: c.1243G>T on transcript NM_001082971.2 (MANE Select); coding-DNA position 1243, G replaced by T.
Protein change: p.Gly415Cys; replaces glycine 415 with cysteine.
Molecular consequence: missense variant.
Genome position (GRCh38, 1-based): chr7:50,463,431, C>A on the plus strand (G>T on the coding strand, the complement: DDC is on the minus strand). VCF-style: chr7-50463431-C-A. GRCh37 (hg19) VCF-style: chr7-50531129-C-A.
Other names: c.1243G>T, p.Gly415Cys (NM_000790.4); c.1129G>T, p.Gly377Cys (NM_001242886.2); c.1099G>T, p.Gly367Cys (NM_001242887.2); c.1009G>T, p.Gly337Cys (NM_001242888.2); c.964G>T, p.Gly322Cys (NM_001242889.2); short protein forms G367C, G415C, G337C, G377C, G322C.
Identifiers: ClinVar variation 2110527 (VCV002110527.4), dbSNP rs752006634, ClinGen allele CA367528602.